The following is an entry in ClinVar:

NM_000975.5(RPL11):c.290dup (p.Asn97fs)

Gene: RPL11 (ribosomal protein L11; plus strand). Cytogenetic location: 1p36.11.
Variant type: Duplication.
Coding change: c.290dup on transcript NM_000975.5 (MANE Select); coding-DNA position 290, one base duplicated (A; older notation c.290dupA).
Protein change: p.Asn97fs; shifts the reading frame from asparagine 97.
Molecular consequence: frameshift variant.
Genome position (GRCh38, 1-based): chr1:23,694,685, A duplicated; the last of 6 consecutive A bases (chr1:23,694,680-23,694,685); duplicating any one gives the same sequence. VCF-style (leftmost placement, unchanged base first): chr1-23694679-G-GA. GRCh37 (hg19) VCF-style: chr1-24021169-G-GA.
Other names: c.287dup, p.Asn96fs (NM_001199802.1); short protein forms N96fs, N97fs.
Identifiers: ClinVar variation 4739066 (VCV004739066.1).

ClinVar aggregate classification (germline): Pathogenic (1 of 4 stars; one submission).

Conditions:
Diamond-Blackfan anemia. Also called: Blackfan Diamond syndrome; Aregenerative anemia chronic congenital; Red cell aplasia, pure hereditary; Congenital hypoplastic anemia; Aase syndrome. Identifiers: Orphanet 124, MedGen C1260899, MeSH D029503, MONDO:0015253, HP:0004810.

Submission:

Labcorp Genetics (formerly Invitae), Labcorp
Classification: Pathogenic for Diamond-Blackfan anemia. Last evaluated: 2025-08-29. Review status: criteria provided, single submitter. Criteria: Invitae Variant Classification Sherloc (09022015). Collection method: clinical testing. Allele origin: germline.
Comment: This sequence change creates a premature translational stop signal (p.Asn97Lysfs*24) in the RPL11 gene. It is expected to result in an absent or disrupted protein product. Loss-of-function variants in RPL11 are known to be pathogenic (PMID: 19061985, 19773262). This variant is not present in population databases (gnomAD no frequency). This premature translational stop signal has been observed in individual(s) with Diamond-Blackfan anemia (PMID: 30503522). For these reasons, this variant has been classified as Pathogenic.

Literature cited by the submitters: PubMed 19061985; PubMed 19773262; PubMed 30503522.